The following is an entry in ClinVar:

ClinVar aggregate classification (germline): Uncertain significance. Review status: criteria provided, multiple submitters, no conflicts (2 of 4 stars). 2 submissions from 2 submitters: Uncertain significance (2). Last evaluated 2023-09-29.

Conditions:
Inborn genetic diseases. Identifiers: MedGen C0950123, MeSH D030342.

Allele frequency attached by ClinVar (database versions not stated): gnomAD 0.00003 and 0.00004.
gnomAD v4.1: 12 of 1,549,686 alleles (0.00077%); highest among the groups gnomAD compares: African/African-American, 0.011%; no homozygotes.

Submissions (2):

Ambry Genetics
Classification: Uncertain significance for Inborn genetic diseases. Last evaluated: 2023-09-29. Review status: criteria provided, single submitter. Criteria: Ambry Variant Classification Scheme 2023. Collection method: clinical testing. Allele origin: germline.

ARUP Laboratories, Molecular Genetics and Genomics, ARUP Laboratories
Classification: Uncertain significance. Last evaluated: 2022-11-28. Review status: criteria provided, single submitter. Criteria: ARUP Molecular Germline Variant Investigation Process 2021. Collection method: clinical testing. Allele origin: germline.
Comment: The PIEZO1 c.3154C>G; p.Gln1052Glu variant (rs922414644), to our knowledge, is not reported in the medical literature or gene specific databases. This variant is also absent from the Genome Aggregation Database, indicating it is not a common polymorphism. The glutamine at codon 1052 is highly conserved, but computational analyses are uncertain whether this variant is neutral or deleterious (REVEL: 0.494). Due to limited information, the clinical significance of the p.Gln1052Glu variant is uncertain at this time.

NM_001142864.4(PIEZO1):c.3154C>G (p.Gln1052Glu)

Genes: PIEZO1 (piezo type mechanosensitive ion channel component 1 (Er blood group); minus strand), HSALR1 (HSP90AB1 associated lncRNA 1; plus strand). Cytogenetic location: 16q24.3.
Variant type: single nucleotide variant.
Coding change: c.3154C>G on transcript NM_001142864.4 (MANE Select); coding-DNA position 3154, C replaced by G.
Protein change: p.Gln1052Glu; replaces glutamine 1052 with glutamic acid.
Molecular consequence: missense variant.
Genome position (GRCh38, 1-based): chr16:88,731,748, G>C on the plus strand (C>G on the coding strand, the complement: PIEZO1 is on the minus strand). VCF-style: chr16-88731748-G-C. GRCh37 (hg19) VCF-style: chr16-88798156-G-C.
Other names: c.3154C>G (NM_001142864.2); short protein forms Q1052E.
Identifiers: ClinVar variation 1330517 (VCV001330517.11), dbSNP rs922414644, ClinGen allele CA286419463.
Genomic context (GRCh38, chr16:88,731,748, plus strand): 5'-AAGCCACGTGCCCCTCACCAATGCACAGGGCCGGGGGCATCCCCAGGCACAGCAGGTACT[G>C]GTACAGCAGGAACAGCGCCAGGAAGAGGCAGTAGTTGGGCCAGAGGCGGGCAATGGCCTG-3'
Protein context (NP_001136336.2, residues 1042-1062): CLFLALFLLY[Gln1052Glu]YLLCLGMPPA